The following is an entry in ClinVar:

ClinVar aggregate classification (germline): Uncertain significance (1 of 4 stars; one submission).

Allele frequency attached by ClinVar (database versions not stated): gnomAD exomes below 0.00001 and 0.00001; ExAC 0.00002.
gnomAD v4.1: 2 of 1,611,776 alleles (0.00012%); highest among the groups gnomAD compares: Admixed American, 0.0033%; no homozygotes.

Submission:

Labcorp Genetics (formerly Invitae), Labcorp
Classification: Uncertain significance. Last evaluated: 2022-06-27. Review status: criteria provided, single submitter. Criteria: Invitae Variant Classification Sherloc (09022015). Collection method: clinical testing. Allele origin: germline.
Comment: In summary, the available evidence is currently insufficient to determine the role of this variant in disease. Therefore, it has been classified as a Variant of Uncertain Significance. Advanced modeling of protein sequence and biophysical properties (such as structural, functional, and spatial information, amino acid conservation, physicochemical variation, residue mobility, and thermodynamic stability) performed at Invitae indicates that this missense variant is expected to disrupt TYR protein function. This variant has not been reported in the literature in individuals affected with TYR-related conditions. This variant is present in population databases (rs762831445, gnomAD 0.006%). This sequence change replaces isoleucine, which is neutral and non-polar, with threonine, which is neutral and polar, at codon 440 of the TYR protein (p.Ile440Thr).

NM_000372.5(TYR):c.1319T>C (p.Ile440Thr)

Gene: TYR (tyrosinase; plus strand). Cytogenetic location: 11q14.3.
Variant type: single nucleotide variant.
Coding change: c.1319T>C on transcript NM_000372.5 (MANE Select); coding-DNA position 1319, T replaced by C.
Protein change: p.Ile440Thr; replaces isoleucine 440 with threonine.
Molecular consequence: missense variant.
Genome position (GRCh38, 1-based): chr11:89,284,907, T>C. VCF-style: chr11-89284907-T-C. GRCh37 (hg19) VCF-style: chr11-89018075-T-C.
Other names: short protein forms I440T.
Identifiers: ClinVar variation 1488237 (VCV001488237.6), dbSNP rs762831445, ClinGen allele CA6221404.
Genomic context (GRCh38, chr11:89,284,907, plus strand): 5'-ATAACCGGGAATCCTACATGGTTCCTTTTATACCACTGTACAGAAATGGTGATTTCTTTA[T>C]TTCATCCAAAGATCTGGGCTATGACTATAGCTATCTACAAGATTCAGGTAAAGTTTACTT-3'
Protein context (NP_000363.1, residues 430-450): IPLYRNGDFF[Ile440Thr]SSKDLGYDYS